The following is an entry in ClinVar:

ClinVar aggregate classification (germline): Uncertain significance. Review status: criteria provided, multiple submitters, no conflicts (2 of 4 stars). 4 submissions from 4 submitters: Uncertain significance (2). 2 of the submissions do not count toward it. Last evaluated 2026-03-31.

Conditions:
SLC52A3-related disorder. Also called: SLC52A3-related condition.
Brown-Vialetto-van Laere syndrome 1. Also called: BROWN-VIALETTO-VAN LAERE SYNDROME 1, MILD; BULBAR PALSY, PROGRESSIVE, WITH SENSORINEURAL DEAFNESS; PONTOBULBAR PALSY WITH DEAFNESS. Identifiers: Orphanet 572550, Orphanet 97229, MedGen C0796274, MONDO:0024537, OMIM 211530.

Allele frequency attached by ClinVar (database versions not stated): gnomAD exomes 0.00003 and 0.00002; ExAC 0.00002; gnomAD 0.00001.
gnomAD v4.1: 44 of 1,614,088 alleles (0.0027%); highest among the groups gnomAD compares: South Asian, 0.0099%; no homozygotes.

Submissions (4):

PreventionGenetics, part of Exact Sciences
Classification: Uncertain significance for SLC52A3-related condition. Last evaluated: 2026-03-31. Review status: criteria provided, single submitter. Criteria: ACMG Guidelines, 2015. Collection method: clinical testing. Allele origin: germline.
Comment: The SLC52A3 c.394C>T variant is predicted to result in the amino acid substitution p.Arg132Trp. This variant was reported in the homozygous state in two siblings with Brown-Vialetto-Van Laere syndrome (Green et al. 2010. PubMed ID: 20206331) and functional experiments demonstrated it results in protein retention in the endoplasmic reticulum (Nabokina et al. 2012. PubMed ID: 22273710). This variant is reported in 0.0098% of alleles in individuals of South Asian descent in gnomAD. Although we suspect that this variant may be pathogenic, at this time, the clinical significance of this variant is uncertain due to the absence of conclusive functional and genetic evidence.

Labcorp Genetics (formerly Invitae), Labcorp
Classification: Uncertain significance for Brown-Vialetto-van Laere syndrome 1. Last evaluated: 2021-08-31. Review status: criteria provided, single submitter. Criteria: Invitae Variant Classification Sherloc (09022015). Collection method: clinical testing. Allele origin: germline.
Comment: This sequence change replaces arginine with tryptophan at codon 132 of the SLC52A3 protein (p.Arg132Trp). The arginine residue is weakly conserved and there is a moderate physicochemical difference between arginine and tryptophan. This variant is present in population databases (rs267606684, ExAC 0.006%). This missense change has been observed in individual(s) with Brown-Vialetto-Van Laere syndrome (BVVLS) (PMID: 2020633). It has also been observed to segregate with disease in related individuals. ClinVar contains an entry for this variant (Variation ID: 141). Algorithms developed to predict the effect of missense changes on protein structure and function (SIFT, PolyPhen-2, Align-GVGD) all suggest that this variant is likely to be disruptive. Experimental studies have shown that this missense change affects SLC52A3 function (PMID: 22273710). In summary, the available evidence is currently insufficient to determine the role of this variant in disease. Therefore, it has been classified as a Variant of Uncertain Significance.

OMIM
Classification: Pathogenic for BROWN-VIALETTO-VAN LAERE SYNDROME 1. Last evaluated: 2010-03-12. Review status: no assertion criteria provided. Collection method: literature only. Allele origin: germline. Not counted in ClinVar's aggregate classification.

GeneReviews
No classification provided. Condition: Brown-Vialetto-van Laere syndrome 1. Review status: no classification provided. Collection method: literature only. Allele origin: germline. Affected: yes. Not counted in ClinVar's aggregate classification.

Literature cited by the submitters: PubMed 2020633 (cited by Labcorp Genetics (formerly Invitae), Labcorp); PubMed 22273710 (cited by Labcorp Genetics (formerly Invitae), Labcorp); PubMed 20206331 (cited by OMIM and GeneReviews); NCBI Bookshelf NBK299312 (cited by GeneReviews).

NM_033409.4(SLC52A3):c.394C>T (p.Arg132Trp)

Gene: SLC52A3 (solute carrier family 52 member 3; minus strand). Cytogenetic location: 20p13.
Variant type: single nucleotide variant.
Coding change: c.394C>T on transcript NM_033409.4 (MANE Select); coding-DNA position 394, C replaced by T.
Protein change: p.Arg132Trp; replaces arginine 132 with tryptophan.
Molecular consequence: missense variant.
Genome position (GRCh38, 1-based): chr20:765,381, G>A on the plus strand (C>T on the coding strand, the complement: SLC52A3 is on the minus strand). VCF-style: chr20-765381-G-A. GRCh37 (hg19) VCF-style: chr20-746025-G-A.
Other names: c.394C>T, p.Arg132Trp (NM_001370085.1, NM_001370086.1); short protein forms R132W.
Identifiers: ClinVar variation 141 (VCV000000141.10), dbSNP rs267606684, ClinGen allele CA339794.
Genomic context (GRCh38, chr20:765,381, plus strand): 5'-GCAAGAGGCCGCTGAGTCCTTCACCCACAAAGAAGGTGGTGAGGTAGTAGGTGGGCAGCC[G>A]GCTCATGAACGGCAGGAAGGTCACTGAAGAGGTGCAGTCCACCAGGGCCAGGAAGAAGGT-3'
Protein context (NP_212134.3, residues 122-142): SSVTFLPFMS[Arg132Trp]LPTYYLTTFF